The following is an entry in ClinVar:

NM_015046.7(SETX):c.3700A>G (p.Arg1234Gly)

Gene: SETX (senataxin; minus strand). Cytogenetic location: 9q34.13.
Variant type: single nucleotide variant.
Coding change: c.3700A>G on transcript NM_015046.7 (MANE Select); coding-DNA position 3700, A replaced by G.
Protein change: p.Arg1234Gly; replaces arginine 1234 with glycine.
Molecular consequence: missense variant.
Genome position (GRCh38, 1-based): chr9:132,327,898, T>C on the plus strand (A>G on the coding strand, the complement: SETX is on the minus strand). VCF-style: chr9-132327898-T-C. GRCh37 (hg19) VCF-style: chr9-135203285-T-C.
Other names: c.3700A>G, p.Arg1234Gly (NM_001351527.2, NM_001351528.2); short protein forms R1234G.
Identifiers: ClinVar variation 1992128 (VCV001992128.4), dbSNP rs2539105131, ClinGen allele CA375328563.

ClinVar aggregate classification (germline): Uncertain significance (1 of 4 stars; one submission).

Conditions:
Spinocerebellar ataxia, autosomal recessive, with axonal neuropathy 2 (SCAN2). Also called: Ataxia with Oculomotor Apraxia Type 2; Ataxia-ocular apraxia-2; ATAXIA-OCULOMOTOR APRAXIA 2; Ataxia with Oculomotor Apraxia. Identifiers: Orphanet 64753, MedGen C1853761, MONDO:0018996, OMIM 606002.
Amyotrophic lateral sclerosis type 4 (ALS4). Also called: AMYOTROPHIC LATERAL SCLEROSIS 4, JUVENILE; NEURONOPATHY, DISTAL HEREDITARY MOTOR, WITH PYRAMIDAL FEATURES. Identifiers: Orphanet 357043, MedGen C1865409, MONDO:0011223, OMIM 602433.

Submission:

Labcorp Genetics (formerly Invitae), Labcorp
Classification: Uncertain significance for Amyotrophic lateral sclerosis type 4; Spinocerebellar ataxia, autosomal recessive, with axonal neuropathy 2. Last evaluated: 2021-12-13. Review status: criteria provided, single submitter. Criteria: Invitae Variant Classification Sherloc (09022015). Collection method: clinical testing. Allele origin: germline.
Comment: This variant has not been reported in the literature in individuals affected with SETX-related conditions. This variant is not present in population databases (gnomAD no frequency). Advanced modeling of protein sequence and biophysical properties (such as structural, functional, and spatial information, amino acid conservation, physicochemical variation, residue mobility, and thermodynamic stability) performed at Invitae indicates that this missense variant is not expected to disrupt SETX protein function. In summary, the available evidence is currently insufficient to determine the role of this variant in disease. Therefore, it has been classified as a Variant of Uncertain Significance. This sequence change replaces arginine, which is basic and polar, with glycine, which is neutral and non-polar, at codon 1234 of the SETX protein (p.Arg1234Gly).